The following is an entry in ClinVar:

NM_001035.3(RYR2):c.9455G>A (p.Arg3152His)

Gene: RYR2 (ryanodine receptor 2; plus strand). Cytogenetic location: 1q43.
Variant type: single nucleotide variant.
Coding change: c.9455G>A on transcript NM_001035.3 (MANE Select); coding-DNA position 9455, G replaced by A.
Protein change: p.Arg3152His; replaces arginine 3152 with histidine.
Molecular consequence: missense variant.
Genome position (GRCh38, 1-based): chr1:237,705,218, G>A. VCF-style: chr1-237705218-G-A. GRCh37 (hg19) VCF-style: chr1-237868518-G-A.
Other names: c.9455G>A (NM_001035.2); short protein forms R3152H.
Identifiers: ClinVar variation 2174068 (VCV002174068.3), dbSNP rs1307141068, ClinGen allele CA345407477.
Genomic context (GRCh38, chr1:237,705,218, plus strand): 5'-CTTTTTTAGTTACTCACTTGGAAGACCTTAAAACATAAGCATTTTCCACTTATAGGCAAC[G>A]TTCTGCATTAGGAGAATGTCTAGCTGCCTTTGCTGGTGCTTTTCCTGTAGCATTTTTGGA-3'
Protein context (NP_001026.2, residues 3142-3162): TSKSIYVERQ[Arg3152His]SALGECLAAF

ClinVar aggregate classification (germline): Uncertain significance. Review status: criteria provided, multiple submitters, no conflicts (2 of 4 stars). 3 submissions from 3 submitters: Uncertain significance (3). Last evaluated 2024-05-06.

Conditions:
Cardiomyopathy (CMYO). Also called: Cardiomyopathies. Identifiers: Orphanet 167848, MedGen C0878544, MONDO:0004994, HP:0001638. Inheritance: Various modes of inheritance.
Cardiovascular phenotype. Identifiers: MedGen CN230736.
Catecholaminergic polymorphic ventricular tachycardia 1. Also called: VENTRICULAR TACHYCARDIA, STRESS-INDUCED POLYMORPHIC 1; VENTRICULAR TACHYCARDIA, CATECHOLAMINERGIC POLYMORPHIC, 1, WITH OR WITHOUT ATRIAL DYSFUNCTION AND/OR DILATED CARDIOMYOPATHY; RYR2-Related Catecholaminergic Polymorphic Ventricular Tachycardia. Identifiers: Orphanet 3286, MedGen C1631597, MONDO:0011484, OMIM 604772.

Allele frequency attached by ClinVar (database versions not stated): gnomAD 0.00001.
gnomAD v4.1: 14 of 1,607,250 alleles (0.00087%); highest among the groups gnomAD compares: African/African-American, 0.0013%; no homozygotes.

Submissions (3):

Ambry Genetics
Classification: Uncertain significance for Cardiovascular phenotype. Last evaluated: 2024-05-06. Review status: criteria provided, single submitter. Criteria: Ambry Variant Classification Scheme 2023. Collection method: clinical testing. Allele origin: germline.
Comment: The p.R3152H variant (also known as c.9455G>A), located in coding exon 67 of the RYR2 gene, results from a G to A substitution at nucleotide position 9455. The arginine at codon 3152 is replaced by histidine, an amino acid with highly similar properties. This amino acid position is highly conserved in available vertebrate species. In addition, the in silico prediction for this alteration is inconclusive. Based on the available evidence, the clinical significance of this variant remains unclear.

Color Diagnostics, LLC DBA Color Health
Classification: Uncertain significance for Cardiomyopathy. Last evaluated: 2023-11-15. Review status: criteria provided, single submitter. Criteria: ACMG Guidelines, 2015. Collection method: clinical testing. Allele origin: germline.
Comment: This missense variant replaces arginine with histidine at codon 3152 of the RYR2 protein. Computational prediction is inconclusive regarding the impact of this variant on protein structure and function. To our knowledge, functional studies have not been reported for this variant. This variant has not been reported in individuals affected with RYR2-related disorders in the literature. This variant has been identified in 2/270506 chromosomes in the general population by the Genome Aggregation Database (gnomAD). The available evidence is insufficient to determine the role of this variant in disease conclusively. Therefore, this variant is classified as a Variant of Uncertain Significance.

Labcorp Genetics (formerly Invitae), Labcorp
Classification: Uncertain significance for Catecholaminergic polymorphic ventricular tachycardia 1. Last evaluated: 2022-09-01. Review status: criteria provided, single submitter. Criteria: Invitae Variant Classification Sherloc (09022015). Collection method: clinical testing. Allele origin: germline.
Comment: This sequence change replaces arginine, which is basic and polar, with histidine, which is basic and polar, at codon 3152 of the RYR2 protein (p.Arg3152His). The frequency data for this variant in the population databases is considered unreliable, as metrics indicate poor data quality at this position in the gnomAD database. This variant has not been reported in the literature in individuals affected with RYR2-related conditions. Advanced modeling of protein sequence and biophysical properties (such as structural, functional, and spatial information, amino acid conservation, physicochemical variation, residue mobility, and thermodynamic stability) performed at Invitae indicates that this missense variant is expected to disrupt RYR2 protein function. In summary, the available evidence is currently insufficient to determine the role of this variant in disease. Therefore, it has been classified as a Variant of Uncertain Significance.